The following is an entry in ClinVar:

NM_004304.5(ALK):c.4648C>T (p.Leu1550Phe)

Gene: ALK (ALK receptor tyrosine kinase; minus strand). Cytogenetic location: 2p23.2.
Variant type: single nucleotide variant.
Coding change: c.4648C>T on transcript NM_004304.5 (MANE Select); coding-DNA position 4648, C replaced by T.
Protein change: p.Leu1550Phe; replaces leucine 1550 with phenylalanine.
Molecular consequence: missense variant.
Genome position (GRCh38, 1-based): chr2:29,193,439, G>A on the plus strand (C>T on the coding strand, the complement: ALK is on the minus strand). VCF-style: chr2-29193439-G-A. GRCh37 (hg19) VCF-style: chr2-29416305-G-A.
Other names: c.1444C>T, p.Leu482Phe (NM_001353765.2); short protein forms L482F, L1550F.
Identifiers: ClinVar variation 4271677 (VCV004271677.1).

ClinVar aggregate classification (germline): Uncertain significance (1 of 4 stars; one submission).

Conditions:
Hereditary cancer-predisposing syndrome. Also called: Hereditary Cancer Syndrome; Hereditary neoplastic syndrome; Neoplastic Syndromes, Hereditary; Tumor predisposition. Identifiers: Orphanet 140162, MedGen C0027672, MeSH D009386, MONDO:0015356.

Submission:

Ambry Genetics
Classification: Uncertain significance for Hereditary cancer-predisposing syndrome. Last evaluated: 2025-08-07. Review status: criteria provided, single submitter. Criteria: Ambry Variant Classification Scheme 2023. Collection method: clinical testing. Allele origin: germline.
Comment: The p.L1550F variant (also known as c.4648C>T), located in coding exon 29 of the ALK gene, results from a C to T substitution at nucleotide position 4648. The leucine at codon 1550 is replaced by phenylalanine, an amino acid with highly similar properties. This amino acid position is conserved. In addition, this alteration is predicted to be tolerated by in silico analysis. Based on the available evidence, the clinical significance of this variant remains unclear.